The following is an entry in ClinVar:

ClinVar aggregate classification (germline): Pathogenic/Likely pathogenic. Review status: criteria provided, multiple submitters, no conflicts (2 of 4 stars). 3 submissions from 3 submitters: Pathogenic (1); Likely pathogenic (1). 1 of the submissions does not count toward it. Last evaluated 2025-07-22.

Conditions:
Hypertrophic cardiomyopathy. Also called: HYPERTROPHIC MYOCARDIOPATHY. Identifiers: Orphanet 217569, MedGen C0007194, MeSH D002312, MONDO:0005045, HP:0001639.
Hypertrophic cardiomyopathy 4. Also called: Familial hypertrophic cardiomyopathy 4. Identifiers: MedGen C1861862, MONDO:0007268, OMIM 115197.

Submissions (3):

Labcorp Genetics (formerly Invitae), Labcorp
Classification: Pathogenic for Hypertrophic cardiomyopathy. Last evaluated: 2025-07-22. Review status: criteria provided, single submitter. Criteria: Invitae Variant Classification Sherloc (09022015). Collection method: clinical testing. Allele origin: germline.
Comment: This sequence change creates a premature translational stop signal (p.Trp1007*) in the MYBPC3 gene. It is expected to result in an absent or disrupted protein product. Loss-of-function variants in MYBPC3 are known to be pathogenic (PMID: 19574547). This variant is not present in population databases (gnomAD no frequency). This premature translational stop signal has been observed in individual(s) with hypertrophic cardiomyopathy (PMID: 28771489). ClinVar contains an entry for this variant (Variation ID: 2577004). For these reasons, this variant has been classified as Pathogenic.

Neuberg Centre For Genomic Medicine, NCGM
Classification: Likely pathogenic for Hypertrophic cardiomyopathy 4. Last evaluated: 2023-06-22. Review status: criteria provided, single submitter. Criteria: ACMG Guidelines, 2015. Collection method: clinical testing. Allele origin: germline. Inheritance: Autosomal recessive inheritance. Affected: yes.
Comment: The observed stop gained variant c.3020G>A(p.Trp1007Ter) in MYBPC3 gene has been reported previously in individuals with dilated cardiomyopathy (Mademont-Soler I, et al., 2017). The c.3020G>A(p.Trp1007Ter) variant is absent in gnomAD Exomes. Computational evidence (Mutation Taster - Disease causing) predicts damaging effect on protein structure and function for this variant.This variant is predicted to cause loss of normal protein function through protein truncation. Loss of function variants have been previously reported to be disease causing (Marston S, et al., 2009). For these reasons, this variant has been classified as Likely Pathogenic.

ICMR Centre for Advanced Research and Excellence in Heart Failure, Sree Chitra Tirunal Institute for Medical Sciences & Technology, KERALA, INDIA
Classification: Likely pathogenic for Hypertrophic cardiomyopathy 4. Last evaluated: 2023-03-19. Review status: no assertion criteria provided. Collection method: clinical testing. Allele origin: germline. Affected: yes. Observed: 1 variant allele. Not counted in ClinVar's aggregate classification.

Literature cited by the submitters: PubMed 19574547 (cited by Labcorp Genetics (formerly Invitae), Labcorp); PubMed 28771489 (cited by Labcorp Genetics (formerly Invitae), Labcorp).

NM_000256.3(MYBPC3):c.3020G>A (p.Trp1007Ter)

Gene: MYBPC3 (myosin binding protein C3; minus strand). Cytogenetic location: 11p11.2.
Variant type: single nucleotide variant.
Coding change: c.3020G>A on transcript NM_000256.3 (MANE Select); coding-DNA position 3020, G replaced by A.
Protein change: p.Trp1007Ter; replaces tryptophan 1007 with a stop codon.
Molecular consequence: nonsense.
Genome position (GRCh38, 1-based): chr11:47,333,727, C>T on the plus strand (G>A on the coding strand, the complement: MYBPC3 is on the minus strand). VCF-style: chr11-47333727-C-T. GRCh37 (hg19) VCF-style: chr11-47355278-C-T.
Other names: short protein forms W1007*.
Identifiers: ClinVar variation 2577004 (VCV002577004.4), dbSNP rs1565623533, ClinGen allele CA380315624.